The following is an entry in ClinVar:

NC_000016.9:g.(?_16291858)_(16292059_?)del

Gene: ABCC6 (ATP binding cassette subfamily C member 6; minus strand). Cytogenetic location: 16p13.11.
Variant type: Deletion.
Identifiers: ClinVar variation 1367116 (VCV001367116.5).

ClinVar aggregate classification (germline): Pathogenic (1 of 4 stars; one submission).

Submission:

Labcorp Genetics (formerly Invitae), Labcorp
Classification: Pathogenic. Last evaluated: 2024-01-19. Review status: criteria provided, single submitter. Criteria: Invitae Variant Classification Sherloc (09022015). Collection method: clinical testing. Allele origin: germline.
Comment: This variant is a gross deletion of the genomic region encompassing exon(s) 10 of the ABCC6 gene. This variant would be expected to be in-frame, preserving the integrity of the reading frame. A similar copy number variant has been observed in individual(s) with pseudoxanthoma elasticum (PMID: 28102862). Experimental studies and prediction algorithms are not available or were not evaluated, and the functional significance of this variant is currently unknown. This variant disrupts a region of the ABCC6 protein in which other variant(s) (p.Arg419Gln) have been determined to be pathogenic (PMID: 19284998, 25615550, 28912966). This suggests that this is a clinically significant region of the protein, and that variants that disrupt it are likely to be disease-causing. For these reasons, this variant has been classified as Pathogenic.

Literature cited by the submitters: PubMed 28102862; PubMed 19284998; PubMed 25615550; PubMed 28912966.